The following is an entry in ClinVar:

ClinVar aggregate classification (germline): Uncertain significance (1 of 4 stars; one submission).

Conditions:
Dyskeratosis congenita. Identifiers: Orphanet 1775, MedGen C0265965, MONDO:0015780.

gnomAD v4.1: 3 of 1,613,464 alleles (0.00019%); highest among the groups gnomAD compares: Non-Finnish European, 0.00025%; no homozygotes.

Submission:

Labcorp Genetics (formerly Invitae), Labcorp
Classification: Uncertain significance for Dyskeratosis congenita. Last evaluated: 2024-03-16. Review status: criteria provided, single submitter. Criteria: Invitae Variant Classification Sherloc (09022015). Collection method: clinical testing. Allele origin: germline.
Comment: This sequence change replaces histidine, which is basic and polar, with glutamine, which is neutral and polar, at codon 239 of the TINF2 protein (p.His239Gln). This variant is not present in population databases (gnomAD no frequency). This variant has not been reported in the literature in individuals affected with TINF2-related conditions. An algorithm developed to predict the effect of missense changes on protein structure and function (PolyPhen-2) suggests that this variant is likely to be tolerated. In summary, the available evidence is currently insufficient to determine the role of this variant in disease. Therefore, it has been classified as a Variant of Uncertain Significance.

NM_001099274.3(TINF2):c.717T>G (p.His239Gln)

Gene: TINF2 (TERF1 interacting nuclear factor 2; minus strand). Cytogenetic location: 14q12.
Variant type: single nucleotide variant.
Coding change: c.717T>G on transcript NM_001099274.3 (MANE Select); coding-DNA position 717, T replaced by G.
Protein change: p.His239Gln; replaces histidine 239 with glutamine.
Molecular consequence: missense variant.
Genome position (GRCh38, 1-based): chr14:24,240,763, A>C on the plus strand (T>G on the coding strand, the complement: TINF2 is on the minus strand). VCF-style: chr14-24240763-A-C. GRCh37 (hg19) VCF-style: chr14-24709969-A-C.
Other names: c.612T>G, p.His204Gln (NM_001363668.2); c.717T>G, p.His239Gln (NM_012461.3); short protein forms H204Q, H239Q.
Identifiers: ClinVar variation 3645227 (VCV003645227.2).
Genomic context (GRCh38, chr14:24,240,763, plus strand): 5'-ATTGAAGTGTCGGCCAGCTAGAGGTTCTGGGTGCGTCCTTGAAGATGGTCCCTGAGGAAG[A>C]TGTGTGCCAGGCTTGGCTTTTGGCAGGGGATTGTGGAGTGCTAGTCTTTGTTGCTGAGGA-3'
Protein context (NP_001092744.1, residues 229-249): NPLPKAKPGT[His239Gln]LPQGPSSRTH